The following is an entry in ClinVar:

NM_024753.5(TTC21B):c.3782G>T (p.Ser1261Ile)

Gene: TTC21B (tetratricopeptide repeat domain 21B; minus strand). Cytogenetic location: 2q24.3.
Variant type: single nucleotide variant.
Coding change: c.3782G>T on transcript NM_024753.5 (MANE Select); coding-DNA position 3782, G replaced by T.
Protein change: p.Ser1261Ile; replaces serine 1261 with isoleucine.
Molecular consequence: missense variant.
Genome position (GRCh38, 1-based): chr2:165,880,702, C>A on the plus strand (G>T on the coding strand, the complement: TTC21B is on the minus strand). VCF-style: chr2-165880702-C-A. GRCh37 (hg19) VCF-style: chr2-166737212-C-A.
Other names: c.3782G>T (NM_024753.4); short protein forms S1261I.
Identifiers: ClinVar variation 1419585 (VCV001419585.8), dbSNP rs371730439, ClinGen allele CA1941408.

ClinVar aggregate classification (germline): Uncertain significance. Review status: criteria provided, multiple submitters, no conflicts (2 of 4 stars). 3 submissions from 3 submitters: Uncertain significance (3). Last evaluated 2026-05-01.

Conditions:
Nephronophthisis 12 (NPHP12). Identifiers: Orphanet 655, MedGen C3151186, MONDO:0013442, OMIM 613820.
Asphyxiating thoracic dystrophy 4 (SRTD4). Also called: SHORT-RIB THORACIC DYSPLASIA 4 WITH OR WITHOUT POLYDACTYLY; SHORT-RIB THORACIC DYSPLASIA 4. Identifiers: Orphanet 474, MedGen C3151185, MONDO:0013441, OMIM 613819.
TTC21B-related disorder. Also called: TTC21B-related disorders; TTC21B-related condition.
Nephronophthisis. Also called: Juvenile Nephronophthisis. Identifiers: Orphanet 655, MedGen C0687120, MONDO:0019005, HP:0000090.
Jeune thoracic dystrophy. Also called: Jeune syndrome; Infantile thoracic dystrophy; Thoracic pelvic phalangeal dystrophy; Jeune's syndrome; Chondroectodermal dysplasia-like syndrome; Short-rib thoracic dysplasia. Identifiers: Orphanet 474, MedGen C0265275, MONDO:0018770.

Allele frequency attached by ClinVar (database versions not stated): TOPMed 0.00006; ESP Exome Variant Server 0.00015.
gnomAD v4.1: 116 of 1,613,474 alleles (0.0072%); highest among the groups gnomAD compares: Non-Finnish European, 0.0095%; no homozygotes.

Submissions (3):

PreventionGenetics, part of Exact Sciences
Classification: Uncertain significance for TTC21B-related condition. Last evaluated: 2026-05-01. Review status: criteria provided, single submitter. Criteria: ACMG Guidelines, 2015. Collection method: clinical testing. Allele origin: germline.
Comment: The TTC21B c.3782G>T variant is predicted to result in the amino acid substitution p.Ser1261Ile. To our knowledge, this variant has not been reported in the literature. This variant is reported in 0.015% of alleles in individuals of European (Non-Finnish) descent in gnomAD. At this time, the clinical significance of this variant is uncertain due to the absence of conclusive functional and genetic evidence.

Labcorp Genetics (formerly Invitae), Labcorp
Classification: Uncertain significance for Jeune thoracic dystrophy; Nephronophthisis. Last evaluated: 2024-09-24. Review status: criteria provided, single submitter. Criteria: Invitae Variant Classification Sherloc (09022015). Collection method: clinical testing. Allele origin: germline.
Comment: This sequence change replaces serine, which is neutral and polar, with isoleucine, which is neutral and non-polar, at codon 1261 of the TTC21B protein (p.Ser1261Ile). This variant is present in population databases (rs371730439, gnomAD 0.01%). This variant has not been reported in the literature in individuals affected with TTC21B-related conditions. ClinVar contains an entry for this variant (Variation ID: 1419585). Invitae Evidence Modeling of protein sequence and biophysical properties (such as structural, functional, and spatial information, amino acid conservation, physicochemical variation, residue mobility, and thermodynamic stability) indicates that this missense variant is not expected to disrupt TTC21B protein function with a negative predictive value of 80%. In summary, the available evidence is currently insufficient to determine the role of this variant in disease. Therefore, it has been classified as a Variant of Uncertain Significance.

Fulgent Genetics
Classification: Uncertain significance for Asphyxiating thoracic dystrophy 4; Nephronophthisis 12. Last evaluated: 2022-03-25. Review status: criteria provided, single submitter. Criteria: ACMG Guidelines, 2015. Collection method: clinical testing. Allele origin: unknown.